The following is an entry in ClinVar:

NM_000081.4(LYST):c.6077dup (p.Tyr2026Ter)

Gene: LYST (lysosomal trafficking regulator; minus strand). Cytogenetic location: 1q42.3.
Variant type: Duplication.
Coding change: c.6077dup on transcript NM_000081.4 (MANE Select); coding-DNA position 6077, one base duplicated (A; older notation c.6077dupA).
Protein change: p.Tyr2026Ter; replaces tyrosine 2026 with a stop codon.
Molecular consequence: nonsense.
Genome position (GRCh38, 1-based): chr1:235,766,123, T duplicated on the plus strand (A on the coding strand, the reverse complement: LYST is on the minus strand). VCF-style (leftmost placement, unchanged base first): chr1-235766122-G-GT. GRCh37 (hg19) VCF-style: chr1-235929422-G-GT.
Other names: c.6077dup, p.Tyr2026Ter (NM_001301365.1); short protein forms Y2026*.
Identifiers: ClinVar variation 2720349 (VCV002720349.4), dbSNP rs773854714, ClinGen allele CA1466468.
Genomic context (GRCh38, chr1:235,766,122, plus strand): 5'-AAAATGATTATACCTACCTATGTGCAAAGAAAAGTAGAAGTTCGTGGGATTGTGACAAAC[G>GT]TAAGTATTAGTAGGAGGGTGAACTGCTAAAAGGAAATTGAAGATAATTGTCAATAATTCC-3'

ClinVar aggregate classification (germline): Pathogenic. Review status: criteria provided, multiple submitters, no conflicts (2 of 4 stars). 2 submissions from 2 submitters: Pathogenic (2). Last evaluated 2025-11-12.

Conditions:
Chédiak-Higashi syndrome (CHS). Also called: Chediak-Higashi Syndrome. Identifiers: Orphanet 167, MedGen C0007965, MONDO:0008963, OMIM 214500.
LYST-related disorder. Also called: LYST-related condition.

Allele frequency attached by ClinVar (database versions not stated): gnomAD exomes 0.00001; ExAC 0.00004.

Submissions (2):

Labcorp Genetics (formerly Invitae), Labcorp
Classification: Pathogenic for Chédiak-Higashi syndrome. Last evaluated: 2025-11-12. Review status: criteria provided, single submitter. Criteria: Invitae Variant Classification Sherloc (09022015). Collection method: clinical testing. Allele origin: germline.
Comment: This sequence change creates a premature translational stop signal (p.Tyr2026*) in the LYST gene. It is expected to result in an absent or disrupted protein product. Loss-of-function variants in LYST are known to be pathogenic (PMID: 9215679, 11857544). This variant is present in population databases (rs773854714, gnomAD 0.02%). This premature translational stop signal has been observed in individual(s) with Chediak-Higashi syndrome (PMID: 29652989). ClinVar contains an entry for this variant (Variation ID: 2720349). For these reasons, this variant has been classified as Pathogenic.

Blueprint Genetics
Classification: Pathogenic for LYST-related disorders. Last evaluated: 2021-12-02. Review status: criteria provided, single submitter. Criteria: ACMG Guidelines, 2015. Collection method: clinical testing. Allele origin: germline. Affected: yes. Observed: 3 variant alleles.

Literature cited by the submitters: PubMed 9215679 (cited by Labcorp Genetics (formerly Invitae), Labcorp); PubMed 11857544 (cited by Labcorp Genetics (formerly Invitae), Labcorp); PubMed 29652989 (cited by Labcorp Genetics (formerly Invitae), Labcorp).